The following is an entry in ClinVar:

NM_138694.4(PKHD1):c.2279+13T>G

Gene: PKHD1 (PKHD1 ciliary IPT domain containing fibrocystin/polyductin; minus strand). Cytogenetic location: 6p12.2.
Variant type: single nucleotide variant.
Coding change: c.2279+13T>G on transcript NM_138694.4 (MANE Select); 13 bases into the intron after coding-DNA position 2279, T replaced by G.
Molecular consequence: intron variant.
Genome position (GRCh38, 1-based): chr6:52,050,144, A>C on the plus strand (T>G on the coding strand, the complement: PKHD1 is on the minus strand). VCF-style: chr6-52050144-A-C. GRCh37 (hg19) VCF-style: chr6-51914942-A-C.
Other names: p.?; c.2279+13T>G (NM_170724.3).
Identifiers: ClinVar variation 195700 (VCV000195700.53), dbSNP rs188914598, ClinGen allele CA242234.
Genomic context (GRCh38, chr6:52,050,144, plus strand): 5'-GTCACACCTGTGTCCCTCAAGGCCAACAAGCATTCTTAGGAGAAGGGACAGGTGTAAAAA[A>C]GCCACTCCTTACCGTGCAGTGATGAGCGGGAGCTCCGTGCCACACCCCGCCAGCCAGGAG-3'

ClinVar aggregate classification (germline): Conflicting classifications of pathogenicity. Review status: criteria provided, conflicting classifications (1 of 4 stars). 11 submissions from 11 submitters: Uncertain significance (2); Benign (5); Likely benign (3). 1 of the submissions does not count toward it. Last evaluated 2026-08-01.

Conditions:
Autosomal recessive polycystic kidney disease (ARPKD). Also called: AR polycystic kidney disease. Identifiers: Orphanet 731, Orphanet 8378, MedGen C0085548, MeSH D017044, MONDO:0009889.

Allele frequency attached by ClinVar (database versions not stated): 1000 Genomes Project 0.00419; 1000 Genomes Project 30x 0.00437; gnomAD 0.00572; gnomAD exomes 0.00575 and 0.00874; ExAC 0.00582; TOPMed 0.00636; ESP Exome Variant Server 0.00700.
gnomAD v4.1: 13,613 of 1,613,600 alleles (0.84%); highest among the groups gnomAD compares: Middle Eastern, 1.7%; 74 homozygotes.

Submissions (11):

CeGaT Center for Human Genetics Tuebingen
Classification: Benign. Last evaluated: 2026-08-01. Review status: criteria provided, single submitter. Criteria: CeGaT Center For Human Genetics Tuebingen Variant Classification Criteria Version 2. Collection method: clinical testing. Allele origin: germline. Affected: yes. Observed: 12 variant alleles.
Comment: PKHD1: BS1, BS2

Labcorp Genetics (formerly Invitae), Labcorp
Classification: Benign for Autosomal recessive polycystic kidney disease. Last evaluated: 2026-01-28. Review status: criteria provided, single submitter. Criteria: Invitae Variant Classification Sherloc (09022015). Collection method: clinical testing. Allele origin: germline.

Blueprint Genetics
Classification: Likely benign. Last evaluated: 2024-11-25. Review status: criteria provided, single submitter. Criteria: ACMG Guidelines, 2015. Collection method: clinical testing. Allele origin: germline.

Department of Pathology and Laboratory Medicine, Sinai Health System
Classification: Benign for autosomal recessive polycystic kidney disease. Last evaluated: 2023-06-01. Review status: criteria provided, single submitter. Criteria: ACMG Guidelines, 2015. Collection method: clinical testing. Allele origin: germline. Affected: yes.

Mayo Clinic Laboratories, Mayo Clinic
Classification: Benign. Last evaluated: 2023-04-26. Review status: criteria provided, single submitter. Criteria: ACMG Guidelines, 2015. Collection method: clinical testing. Allele origin: germline. Observed: 3 variant alleles.
Comment: BS1, BS2, BP4, BP7

Women's Health and Genetics/Laboratory Corporation of America, LabCorp
Classification: Benign. Last evaluated: 2021-09-12. Review status: criteria provided, single submitter. Criteria: LabCorp Variant Classification Summary - May 2015. Collection method: clinical testing. Allele origin: germline.
Comment: Variant summary: PKHD1 c.2279+13T>G alters a non-conserved nucleotide located close to a canonical splice site and therefore could affect mRNA splicing, leading to a significantly altered protein sequence. 4/4 computational tools predict no significant impact on normal splicing. However, these predictions have yet to be confirmed by functional studies. The variant allele was found at a frequency of 0.0058 in 251050 control chromosomes, predominantly at a frequency of 0.0091 within the Non-Finnish European subpopulation in the gnomAD database, including 5 homozygotes. The observed variant frequency within Non-Finnish European control individuals in the gnomAD database is approximately 1.3 fold of the estimated maximal expected allele frequency for a pathogenic variant in PKHD1 causing Polycystic Kidney And Hepatic Disease phenotype (0.0071), strongly suggesting that the variant is a benign polymorphism found primarily in populations of Non-Finnish European origin. To our knowledge, no occurrence of c.2279+13T>G in individuals affected with Polycystic Kidney And Hepatic Disease and no experimental evidence demonstrating its impact on protein function have been reported. Three clinical diagnostic laboratories have submitted clinical-significance assessments for this variant to ClinVar after 2014 without evidence for independent evaluation. Based on the evidence outlined above, the variant was classified as benign.

GeneDx
Classification: Likely benign. Last evaluated: 2020-01-16. Review status: criteria provided, single submitter. Criteria: GeneDx Variant Classification Process June 2021. Collection method: clinical testing. Allele origin: germline. Affected: yes.

Illumina Laboratory Services, Illumina
Classification: Uncertain significance for Polycystic kidney disease 4. Last evaluated: 2018-01-13. Review status: criteria provided, single submitter. Criteria: ICSL Variant Classification Criteria 13 December 2019. Collection method: clinical testing. Allele origin: germline.

Eurofins Ntd Llc (ga)
Classification: Uncertain significance. Last evaluated: 2014-08-20. Review status: criteria provided, single submitter. Criteria: EGL Classification Definitions 2015. Collection method: clinical testing. Allele origin: germline. Observed: 1 variant allele, 1 heterozygote.

PreventionGenetics, part of Exact Sciences
Classification: Likely benign. Review status: criteria provided, single submitter. Criteria: ACMG Guidelines, 2015. Collection method: clinical testing. Allele origin: germline.

Natera, Inc.
Classification: Benign for Autosomal recessive polycystic kidney disease. Last evaluated: 2018-04-16. Review status: no assertion criteria provided. Collection method: clinical testing. Allele origin: germline. Not counted in ClinVar's aggregate classification.

Literature cited by the submitters: PubMed 15108277 (cited by Mayo Clinic Laboratories, Mayo Clinic); PubMed 15698423 (cited by Mayo Clinic Laboratories, Mayo Clinic).